The following is an entry in ClinVar:

ClinVar aggregate classification (germline): Uncertain significance (1 of 4 stars; one submission).

Conditions:
Hereditary cancer-predisposing syndrome. Also called: Hereditary neoplastic syndrome; Tumor predisposition; Hereditary Cancer Syndrome; Neoplastic Syndromes, Hereditary. Identifiers: Orphanet 140162, MedGen C0027672, MeSH D009386, MONDO:0015356.

Allele frequency attached by ClinVar (database versions not stated): gnomAD exomes below 0.00001.
gnomAD v4.1: 1 of 1,614,192 alleles (0.000062%); highest among the groups gnomAD compares: South Asian, 0.0011%; no homozygotes.

Submission:

Ambry Genetics
Classification: Uncertain significance for Hereditary cancer-predisposing syndrome. Last evaluated: 2023-09-01. Review status: criteria provided, single submitter. Criteria: Ambry Variant Classification Scheme 2023. Collection method: clinical testing. Allele origin: germline.
Comment: The p.N1535H variant (also known as c.4603A>C), located in coding exon 15 of the APC gene, results from an A to C substitution at nucleotide position 4603. The asparagine at codon 1535 is replaced by histidine, an amino acid with similar properties. This amino acid position is conserved. In addition, in silico predictors for this gene do not accurately predict pathogenicity. Since supporting evidence is limited at this time, the clinical significance of this alteration remains unclear.

NM_000038.6(APC):c.4603A>C (p.Asn1535His)

Gene: APC (APC regulator of Wnt signaling pathway; plus strand). Cytogenetic location: 5q22.2.
Variant type: single nucleotide variant.
Coding change: c.4603A>C on transcript NM_000038.6 (MANE Select); coding-DNA position 4603, A replaced by C.
Protein change: p.Asn1535His; replaces asparagine 1535 with histidine.
Molecular consequence: missense variant. On other transcripts: non-coding transcript variant (2).
Genome position (GRCh38, 1-based): chr5:112,840,197, A>C. VCF-style: chr5-112840197-A-C. GRCh37 (hg19) VCF-style: chr5-112175894-A-C.
Other names: c.4603A>C, p.Asn1535His (NM_001127510.3, NM_001354895.2, NM_001407450.1); c.4549A>C, p.Asn1517His (NM_001127511.3); c.4657A>C, p.Asn1553His (NM_001354896.2, NM_001407447.1, NM_001407448.1 and 1 more transcripts); c.4633A>C, p.Asn1545His (NM_001354897.2); c.4528A>C, p.Asn1510His (NM_001354898.2); c.4519A>C, p.Asn1507His (NM_001354899.2); c.4480A>C, p.Asn1494His (NM_001354900.2); c.4426A>C, p.Asn1476His (NM_001354901.2, NM_001407453.1); and 11 more; short protein forms N1375H, N1476H, N1507H, N1510H, N1151H, N1252H, N1434H, N1444H.
Identifiers: ClinVar variation 2587035 (VCV002587035.2), dbSNP rs1765720202, ClinGen allele CA16031412.